The following is an entry in ClinVar:

NM_000368.5(TSC1):c.1263+10A>G

Gene: TSC1 (TSC complex subunit 1; minus strand). Cytogenetic location: 9q34.13.
Variant type: single nucleotide variant.
Coding change: c.1263+10A>G on transcript NM_000368.5 (MANE Select); 10 bases into the intron after coding-DNA position 1263, A replaced by G.
Molecular consequence: intron variant.
Genome position (GRCh38, 1-based): chr9:132,910,561, T>C on the plus strand (A>G on the coding strand, the complement: TSC1 is on the minus strand). VCF-style: chr9-132910561-T-C. GRCh37 (hg19) VCF-style: chr9-135785948-T-C.
Other names: c.900+10A>G (NM_001362177.2); c.1110+10A>G (NM_001162427.2); c.1260+10A>G (NM_001162426.2).
Identifiers: ClinVar variation 727643 (VCV000727643.11), dbSNP rs1260305500, ClinGen allele CA860675600.
Genomic context (GRCh38, chr9:132,910,561, plus strand): 5'-TTCTCAAAGTGAGGCTTGCAAGTGAGTCACTGTGCCTGGGCAGAGGGATAGCAGACGAGC[T>C]GGATCGCACCTTCCTGGGGGGTGTGACTGTGGCCTGGGGGAGTGAAATGTGCACGTAGTC-3'

ClinVar aggregate classification (germline): Likely benign. Review status: criteria provided, multiple submitters, no conflicts (2 of 4 stars). 2 submissions from 2 submitters: Likely benign (2). Last evaluated 2025-05-22.

Conditions:
Tuberous sclerosis 1 (TSC1). Identifiers: Orphanet 805, MedGen C1854465, MONDO:0008612, OMIM 191100.

Allele frequency attached by ClinVar (database versions not stated): TOPMed below 0.00001; gnomAD 0.00001.
gnomAD v4.1: 1 of 1,613,928 alleles (0.000062%); highest among the groups gnomAD compares: Admixed American, 0.0017%; no homozygotes.

Submissions (2):

Labcorp Genetics (formerly Invitae), Labcorp
Classification: Likely benign for Tuberous sclerosis 1. Last evaluated: 2025-05-22. Review status: criteria provided, single submitter. Criteria: Invitae Variant Classification Sherloc (09022015). Collection method: clinical testing. Allele origin: germline.

Myriad Genetics, Inc.
Classification: Likely benign for Tuberous sclerosis 1. Last evaluated: 2025-04-09. Review status: criteria provided, single submitter. Criteria: Myriad Autosomal Dominant, Autosomal Recessive and X-Linked Classification Criteria (2023). Collection method: clinical testing. Allele origin: unknown.
Comment: This variant is considered likely benign. This variant is intronic and is not expected to impact mRNA splicing.